The following is an entry in ClinVar:

Single allele

Gene: CLTRN (collectrin, amino acid transport regulator; minus strand). Cytogenetic location: Xp22.2.
Variant type: Deletion.
Identifiers: ClinVar variation 632559 (VCV000632559.3).

ClinVar aggregate classification (germline): Pathogenic (0 of 4 stars; one submission).

Conditions:
Aminoaciduria. Identifiers: MedGen C0238621, HP:0003355.

Submission:

Daryl Scott Lab, Baylor College of Medicine
Classification: Pathogenic for Aminoaciduria. Last evaluated: 2019-05-14. Review status: no assertion criteria provided. Collection method: clinical testing. Allele origin: unknown. Inheritance: X-linked recessive inheritance. Affected: yes. Observed: 1 hemizygote.